The following is an entry in ClinVar:

NM_014672.4(PRORP):c.893C>A (p.Ser298Ter)

Genes: PRORP (protein only RNase P catalytic subunit; plus strand), PRORP-PSMA6 (PRORP-PSMA6 readthrough; plus strand). Cytogenetic location: 14q13.2.
Variant type: single nucleotide variant.
Coding change: c.893C>A on transcript NM_014672.4 (MANE Select); coding-DNA position 893, C replaced by A.
Protein change: p.Ser298Ter; replaces serine 298 with a stop codon.
Molecular consequence: nonsense. On other transcripts: intron variant (2), non-coding transcript variant (4).
Genome position (GRCh38, 1-based): chr14:35,124,138, C>A. VCF-style: chr14-35124138-C-A. GRCh37 (hg19) VCF-style: chr14-35593344-C-A.
Other names: c.608C>A, p.Ser203Ter (NM_001256679.2); c.893C>A, p.Ser298Ter (NM_001414503.1, NM_001256678.2); c.-131+1228C>A (NM_001256680.2); c.-83+1228C>A (NM_001256681.2); short protein forms S203*, S298*.
Identifiers: ClinVar variation 4533393 (VCV004533393.1).

ClinVar aggregate classification (germline): Pathogenic (0 of 4 stars; one submission).

Conditions:
Combined oxidative phosphorylation deficiency 54 (COXPD54). Identifiers: MedGen C5676912, MONDO:0030543, OMIM 619737.

gnomAD v4.1: 3 of 1,610,200 alleles (0.00019%); highest among the groups gnomAD compares: Admixed American, 0.0017%; no homozygotes.

Submission:

Newman Lab, University of Manchester
Classification: Pathogenic for Combined oxidative phosphorylation deficiency 54. Last evaluated: 2025-12-09. Review status: no assertion criteria provided. Collection method: research. Allele origin: maternal. Affected: yes.
Comment: Not observed at significant frequency in large population cohorts (gnomAD v4.0), never as homozygous; this variant results in a premature translational stop signal in PRORP, consistent with abence of the protein. In trans with a hypomorphic allele this is predicted to result in the phenotype of COXPD54.